The following is an entry in ClinVar:

ClinVar aggregate classification (germline): Uncertain significance (1 of 4 stars; one submission).

Conditions:
Hereditary motor and sensory neuropathy, Okinawa type (HMSNO). Also called: HEREDITARY MOTOR AND SENSORY NEUROPATHY, PROXIMAL TYPE. Identifiers: Orphanet 90117, MedGen C1858338, MONDO:0011468, OMIM 604484.
Hereditary spastic paraplegia 57. Also called: Spastic paraplegia 57, autosomal recessive. Identifiers: Orphanet 431329, MedGen C3714897, MONDO:0014295, OMIM 615658.

Submission:

Labcorp Genetics (formerly Invitae), Labcorp
Classification: Uncertain significance for Hereditary motor and sensory neuropathy, Okinawa type; Hereditary spastic paraplegia 57. Last evaluated: 2025-02-27. Review status: criteria provided, single submitter. Criteria: Invitae Variant Classification Sherloc (09022015). Collection method: clinical testing. Allele origin: germline.
Comment: This sequence change replaces methionine, which is neutral and non-polar, with threonine, which is neutral and polar, at codon 371 of the TFG protein (p.Met371Thr). This variant is not present in population databases (gnomAD no frequency). This variant has not been reported in the literature in individuals affected with TFG-related conditions. Invitae Evidence Modeling of protein sequence and biophysical properties (such as structural, functional, and spatial information, amino acid conservation, physicochemical variation, residue mobility, and thermodynamic stability) indicates that this missense variant is not expected to disrupt TFG protein function with a negative predictive value of 80%. In summary, the available evidence is currently insufficient to determine the role of this variant in disease. Therefore, it has been classified as a Variant of Uncertain Significance.

NM_006070.6(TFG):c.1112T>C (p.Met371Thr)

Gene: TFG (trafficking from ER to golgi regulator; plus strand). Cytogenetic location: 3q12.2.
Variant type: single nucleotide variant.
Coding change: c.1112T>C on transcript NM_006070.6 (MANE Select); coding-DNA position 1112, T replaced by C.
Protein change: p.Met371Thr; replaces methionine 371 with threonine.
Molecular consequence: missense variant.
Genome position (GRCh38, 1-based): chr3:100,748,440, T>C. VCF-style: chr3-100748440-T-C. GRCh37 (hg19) VCF-style: chr3-100467284-T-C.
Other names: c.1112T>C, p.Met371Thr (NM_001007565.2, NM_001195478.2); c.1100T>C, p.Met367Thr (NM_001195479.2); short protein forms M367T, M371T.
Identifiers: ClinVar variation 4782685 (VCV004782685.1).